The following is an entry in ClinVar:

ClinVar aggregate classification (germline): Uncertain significance (1 of 4 stars; one submission).

Conditions:
Inborn genetic diseases. Identifiers: MedGen C0950123, MeSH D030342.

gnomAD v4.1: 4 of 1,614,010 alleles (0.00025%); highest among the groups gnomAD compares: African/African-American, 0.0027%; no homozygotes.

Submission:

Ambry Genetics
Classification: Uncertain significance for Inborn genetic diseases. Last evaluated: 2024-12-07. Review status: criteria provided, single submitter. Criteria: Ambry Variant Classification Scheme 2023. Collection method: clinical testing. Allele origin: germline.
Comment: The p.R26C variant (also known as c.76C>T), located in coding exon 1 of the SBDS gene, results from a C to T substitution at nucleotide position 76. The arginine at codon 26 is replaced by cysteine, an amino acid with highly dissimilar properties. This amino acid position is conserved. In addition, this alteration is predicted to be deleterious by in silico analysis. Based on the available evidence, the clinical significance of this variant remains unclear.

NM_016038.4(SBDS):c.76C>T (p.Arg26Cys)

Gene: SBDS (SBDS ribosome maturation factor; minus strand). Cytogenetic location: 7q11.21.
Variant type: single nucleotide variant.
Coding change: c.76C>T on transcript NM_016038.4 (MANE Select); coding-DNA position 76, C replaced by T.
Protein change: p.Arg26Cys; replaces arginine 26 with cysteine.
Molecular consequence: missense variant.
Genome position (GRCh38, 1-based): chr7:66,995,342, G>A on the plus strand (C>T on the coding strand, the complement: SBDS is on the minus strand). VCF-style: chr7-66995342-G-A. GRCh37 (hg19) VCF-style: chr7-66460329-G-A.
Other names: short protein forms R26C.
Identifiers: ClinVar variation 3437540 (VCV003437540.1).